The following is an entry in ClinVar:

NM_001142679.2(ANO6):c.2663_2664insAAT (p.Phe888delinsLeuIle)

Gene: ANO6 (anoctamin 6; plus strand). Cytogenetic location: 12q12.
Variant type: Insertion.
Coding change: c.2663_2664insAAT on transcript NM_001142679.2; coding-DNA positions 2663 to 2664, AAT inserted.
Protein change: p.Phe888delinsLeuIle.
Molecular consequence: inframe indel.
Genome position: GRCh38 VCF-style: chr12-45439810-T-TTAA. GRCh37 (hg19) VCF-style: chr12-45833593-T-TTAA.
Identifiers: ClinVar variation 4978406 (VCV004978406.1).

ClinVar aggregate classification (germline): Likely benign (1 of 4 stars; one submission).

Conditions:
ANO6-related disorder. Also called: ANO6-related condition.

Submission:

PreventionGenetics, part of Exact Sciences
Classification: Likely benign for ANO6-related condition. Last evaluated: 2025-01-02. Review status: criteria provided, single submitter. Criteria: ACMG Guidelines, 2015. Collection method: clinical testing. Allele origin: germline.
Comment: This variant is classified as likely benign based on ACMG/AMP sequence variant interpretation guidelines (Richards et al. 2015 PMID: 25741868, with internal and published modifications).